The following is an entry in ClinVar:

ClinVar aggregate classification (germline): Uncertain significance (1 of 4 stars; one submission).

gnomAD v4.1: 7 of 1,612,114 alleles (0.00043%); highest among the groups gnomAD compares: Non-Finnish European, 0.00059%; no homozygotes.

Submission:

Labcorp Genetics (formerly Invitae), Labcorp
Classification: Uncertain significance. Last evaluated: 2025-04-08. Review status: criteria provided, single submitter. Criteria: Invitae Variant Classification Sherloc (09022015). Collection method: clinical testing. Allele origin: germline.
Comment: This sequence change replaces asparagine, which is neutral and polar, with serine, which is neutral and polar, at codon 1824 of the MTOR protein (p.Asn1824Ser). This variant is not present in population databases (gnomAD no frequency). This variant has not been reported in the literature in individuals affected with MTOR-related conditions. Invitae Evidence Modeling of protein sequence and biophysical properties (such as structural, functional, and spatial information, amino acid conservation, physicochemical variation, residue mobility, and thermodynamic stability) indicates that this missense variant is not expected to disrupt MTOR protein function with a negative predictive value of 95%. In summary, the available evidence is currently insufficient to determine the role of this variant in disease. Therefore, it has been classified as a Variant of Uncertain Significance.

NM_004958.4(MTOR):c.5471A>G (p.Asn1824Ser)

Gene: MTOR (mechanistic target of rapamycin kinase; minus strand). Cytogenetic location: 1p36.22.
Variant type: single nucleotide variant.
Coding change: c.5471A>G on transcript NM_004958.4 (MANE Select); coding-DNA position 5471, A replaced by G.
Protein change: p.Asn1824Ser; replaces asparagine 1824 with serine.
Molecular consequence: missense variant.
Genome position (GRCh38, 1-based): chr1:11,130,671, T>C on the plus strand (A>G on the coding strand, the complement: MTOR is on the minus strand). VCF-style: chr1-11130671-T-C. GRCh37 (hg19) VCF-style: chr1-11190728-T-C.
Other names: c.5471A>G, p.Asn1824Ser (NM_001386500.1); c.4223A>G, p.Asn1408Ser (NM_001386501.1); short protein forms N1408S, N1824S.
Identifiers: ClinVar variation 4697685 (VCV004697685.1).